The following is an entry in ClinVar:

ClinVar aggregate classification (germline): Uncertain significance (1 of 4 stars; one submission).

Conditions:
Hereditary cancer-predisposing syndrome. Also called: Neoplastic Syndromes, Hereditary; Tumor predisposition; Hereditary neoplastic syndrome; Hereditary Cancer Syndrome. Identifiers: Orphanet 140162, MedGen C0027672, MeSH D009386, MONDO:0015356.

Submission:

Ambry Genetics
Classification: Uncertain significance for Hereditary cancer-predisposing syndrome. Last evaluated: 2023-09-29. Review status: criteria provided, single submitter. Criteria: Ambry Variant Classification Scheme 2023. Collection method: clinical testing. Allele origin: germline.
Comment: The p.S540G variant (also known as c.1618A>G), located in coding exon 14 of the FANCC gene, results from an A to G substitution at nucleotide position 1618. The serine at codon 540 is replaced by glycine, an amino acid with similar properties. This amino acid position is conserved. In addition, this alteration is predicted to be tolerated by in silico analysis. Since supporting evidence is limited at this time, the clinical significance of this alteration remains unclear.

NM_000136.3(FANCC):c.1618A>G (p.Ser540Gly)

Genes: AOPEP (aminopeptidase O (putative); plus strand), FANCC (FA complementation group C; minus strand). Cytogenetic location: 9q22.32.
Variant type: single nucleotide variant.
Coding change: c.1618A>G on transcript NM_000136.3 (MANE Select); coding-DNA position 1618, A replaced by G.
Protein change: p.Ser540Gly; replaces serine 540 with glycine.
Molecular consequence: missense variant.
Genome position (GRCh38, 1-based): chr9:95,101,766, T>C on the plus strand (A>G on the coding strand, the complement: FANCC is on the minus strand). VCF-style: chr9-95101766-T-C. GRCh37 (hg19) VCF-style: chr9-97864048-T-C.
Other names: c.1618A>G, p.Ser540Gly (NM_001243743.2); short protein forms S540G.
Identifiers: ClinVar variation 3230369 (VCV003230369.1), dbSNP rs1588008112, ClinGen allele CA374104440.